The following is an entry in ClinVar:

NM_015072.5(TTLL5):c.772A>C (p.Lys258Gln)

Gene: TTLL5 (tubulin tyrosine ligase like 5; plus strand). Cytogenetic location: 14q24.3.
Variant type: single nucleotide variant.
Coding change: c.772A>C on transcript NM_015072.5 (MANE Select); coding-DNA position 772, A replaced by C.
Protein change: p.Lys258Gln; replaces lysine 258 with glutamine.
Molecular consequence: missense variant.
Genome position (GRCh38, 1-based): chr14:75,717,892, A>C. VCF-style: chr14-75717892-A-C. GRCh37 (hg19) VCF-style: chr14-76184235-A-C.
Other names: c.772A>C (NM_015072.4); short protein forms K258Q.
Identifiers: ClinVar variation 1429227 (VCV001429227.9), dbSNP rs1887576900, ClinGen allele CA390458162.
Genomic context (GRCh38, chr14:75,717,892, plus strand): 5'-TGGCATTTAACCTGTTTCCCTTCTATCAGGTTTGCAACTGTGCGATATGATCAAGGAGCC[A>C]AGAACATTCGGAACCAGTTCATGCATCTGACAAACTACAGTGTCAACAAGAAAAGTGGAG-3'
Protein context (NP_055887.3, residues 248-268): FATVRYDQGA[Lys258Gln]NIRNQFMHLT

ClinVar aggregate classification (germline): Uncertain significance. Review status: criteria provided, multiple submitters, no conflicts (2 of 4 stars). 2 submissions from 2 submitters: Uncertain significance (2). Last evaluated 2025-08-30.

Conditions:
Inborn genetic diseases. Identifiers: MedGen C0950123, MeSH D030342.

gnomAD v4.1: 1 of 1,613,890 alleles (0.000062%); no homozygotes.

Submissions (2):

Ambry Genetics
Classification: Uncertain significance for Inborn genetic diseases. Last evaluated: 2025-08-30. Review status: criteria provided, single submitter. Criteria: Ambry Variant Classification Scheme 2023. Collection method: clinical testing. Allele origin: germline.

Labcorp Genetics (formerly Invitae), Labcorp
Classification: Uncertain significance. Last evaluated: 2022-06-20. Review status: criteria provided, single submitter. Criteria: Invitae Variant Classification Sherloc (09022015). Collection method: clinical testing. Allele origin: germline.
Comment: This sequence change replaces lysine, which is basic and polar, with glutamine, which is neutral and polar, at codon 258 of the TTLL5 protein (p.Lys258Gln). This variant is not present in population databases (gnomAD no frequency). This variant has not been reported in the literature in individuals affected with TTLL5-related conditions. Algorithms developed to predict the effect of missense changes on protein structure and function are either unavailable or do not agree on the potential impact of this missense change (SIFT: "Deleterious"; PolyPhen-2: "Possibly Damaging"; Align-GVGD: "Class C0"). In summary, the available evidence is currently insufficient to determine the role of this variant in disease. Therefore, it has been classified as a Variant of Uncertain Significance.